The following is an entry in ClinVar:

NM_017780.4(CHD7):c.1241G>A (p.Arg414Lys)

Gene: CHD7 (chromodomain helicase DNA binding protein 7; plus strand). Cytogenetic location: 8q12.2.
Variant type: single nucleotide variant.
Coding change: c.1241G>A on transcript NM_017780.4 (MANE Select); coding-DNA position 1241, G replaced by A.
Protein change: p.Arg414Lys; replaces arginine 414 with lysine.
Molecular consequence: missense variant.
Genome position (GRCh38, 1-based): chr8:60,742,673, G>A. VCF-style: chr8-60742673-G-A. GRCh37 (hg19) VCF-style: chr8-61655232-G-A.
Other names: c.1241G>A, p.Arg414Lys (NM_001316690.1); short protein forms R414K.
Identifiers: ClinVar variation 4539990 (VCV004539990.1).

ClinVar aggregate classification (germline): Uncertain significance (1 of 4 stars; one submission).

gnomAD v4.1: 11 of 1,610,900 alleles (0.00068%); highest among the groups gnomAD compares: South Asian, 0.012%; no homozygotes.

Submission:

GeneDx
Classification: Uncertain significance. Last evaluated: 2025-06-25. Review status: criteria provided, single submitter. Criteria: GeneDx Variant Classification Process June 2021. Collection method: clinical testing. Allele origin: germline. Affected: yes.
Comment: In silico analysis suggests that this missense variant does not alter protein structure/function; Has not been previously published as pathogenic or benign to our knowledge